The following is an entry in ClinVar:

ClinVar aggregate classification (germline): Uncertain significance (1 of 4 stars; one submission).

Conditions:
Epileptic encephalopathy. Identifiers: MedGen C0543888, HP:0200134.

Allele frequency attached by ClinVar (database versions not stated): ESP Exome Variant Server 0.00008; ExAC 0.00001.
gnomAD v4.1: 4 of 1,614,100 alleles (0.00025%); highest among the groups gnomAD compares: South Asian, 0.0011%; no homozygotes.

Submission:

Labcorp Genetics (formerly Invitae), Labcorp
Classification: Uncertain significance for Epileptic encephalopathy. Last evaluated: 2025-04-02. Review status: criteria provided, single submitter. Criteria: Invitae Variant Classification Sherloc (09022015). Collection method: clinical testing. Allele origin: germline.
Comment: This sequence change replaces valine, which is neutral and non-polar, with methionine, which is neutral and non-polar, at codon 198 of the GABBR2 protein (p.Val198Met). This variant is present in population databases (rs369347155, gnomAD 0.003%). This variant has not been reported in the literature in individuals affected with GABBR2-related conditions. ClinVar contains an entry for this variant (Variation ID: 2737181). Invitae Evidence Modeling of protein sequence and biophysical properties (such as structural, functional, and spatial information, amino acid conservation, physicochemical variation, residue mobility, and thermodynamic stability) indicates that this missense variant is expected to disrupt GABBR2 protein function with a positive predictive value of 80%. In summary, the available evidence is currently insufficient to determine the role of this variant in disease. Therefore, it has been classified as a Variant of Uncertain Significance.

NM_005458.8(GABBR2):c.592G>A (p.Val198Met)

Gene: GABBR2 (gamma-aminobutyric acid type B receptor subunit 2; minus strand). Cytogenetic location: 9q22.33.
Variant type: single nucleotide variant.
Coding change: c.592G>A on transcript NM_005458.8 (MANE Select); coding-DNA position 592, G replaced by A.
Protein change: p.Val198Met; replaces valine 198 with methionine.
Molecular consequence: missense variant.
Genome position (GRCh38, 1-based): chr9:98,541,911, C>T on the plus strand (G>A on the coding strand, the complement: GABBR2 is on the minus strand). VCF-style: chr9-98541911-C-T. GRCh37 (hg19) VCF-style: chr9-101304193-C-T.
Other names: short protein forms V198M.
Identifiers: ClinVar variation 2737181 (VCV002737181.3), dbSNP rs369347155, ClinGen allele CA5152949.
Genomic context (GRCh38, chr9:98,541,911, plus strand): 5'-TGTCCACACAAGCCGAGCGTACCTCAGAGAACCTCTGAACGTCTTGCGTCAGCGTGCCCA[C>T]GCGCTTCCACTGGTAGTGCTTGAGCAACTTCAGAATGGCTGGATTCACCGCATTGTCTGA-3'
Protein context (NP_005449.5, residues 188-208): KLLKHYQWKR[Val198Met]GTLTQDVQRF